The following is an entry in ClinVar:

NM_001351132.2(PEX5):c.1744G>T (p.Ala582Ser)

Gene: PEX5 (peroxisomal biogenesis factor 5; plus strand). Cytogenetic location: 12p13.31.
Variant type: single nucleotide variant.
Coding change: c.1744G>T on transcript NM_001351132.2 (MANE Select); coding-DNA position 1744, G replaced by T.
Protein change: p.Ala582Ser; replaces alanine 582 with serine.
Molecular consequence: missense variant.
Genome position (GRCh38, 1-based): chr12:7,210,047, G>T. VCF-style: chr12-7210047-G-T. GRCh37 (hg19) VCF-style: chr12-7362643-G-T.
Other names: c.1720G>T, p.Ala574Ser (NM_000319.5); c.1789G>T, p.Ala597Ser (NM_001131023.2); c.1633G>T, p.Ala545Ser (NM_001131024.2, NM_001351124.3, NM_001351126.2 and 7 more transcripts); c.1744G>T, p.Ala582Ser (NM_001131025.2, NM_001131026.2, NM_001300789.3 and 4 more transcripts); c.1678G>T, p.Ala560Ser (NM_001351135.3, NM_001351138.2); c.1735G>T, p.Ala579Ser (NM_001351136.2); c.1609G>T, p.Ala537Ser (NM_001351139.2, NM_001351140.2, NM_001374649.2); short protein forms A545S, A560S, A579S, A582S, A574S, A597S, A537S.
Identifiers: ClinVar variation 1506550 (VCV001506550.8), dbSNP rs2136263113, ClinGen allele CA383739320.

ClinVar aggregate classification (germline): Uncertain significance (1 of 4 stars; one submission).

Conditions:
Peroxisome biogenesis disorder 2B (PBD2B). Identifiers: Orphanet 44, MedGen C3550234, MONDO:0008736, OMIM 202370.

Allele frequency attached by ClinVar (database versions not stated): gnomAD exomes below 0.00001.
gnomAD v4.1: 2 of 1,614,212 alleles (0.00012%); highest among the groups gnomAD compares: African/African-American, 0.0013%; no homozygotes.

Submission:

Labcorp Genetics (formerly Invitae), Labcorp
Classification: Uncertain significance for Peroxisome biogenesis disorder 2B. Last evaluated: 2022-02-03. Review status: criteria provided, single submitter. Criteria: Invitae Variant Classification Sherloc (09022015). Collection method: clinical testing. Allele origin: germline.
Comment: This variant has not been reported in the literature in individuals affected with PEX5-related conditions. This variant is not present in population databases (gnomAD no frequency). This sequence change replaces alanine, which is neutral and non-polar, with serine, which is neutral and polar, at codon 582 of the PEX5 protein (p.Ala582Ser). Algorithms developed to predict the effect of missense changes on protein structure and function are either unavailable or do not agree on the potential impact of this missense change (SIFT: "Deleterious"; PolyPhen-2: "Probably Damaging"; Align-GVGD: "Class C0"). In summary, the available evidence is currently insufficient to determine the role of this variant in disease. Therefore, it has been classified as a Variant of Uncertain Significance.